The following is an entry in ClinVar:

NM_022833.4(NIBAN2):c.429G>T (p.Thr143=)

Gene: NIBAN2 (niban apoptosis regulator 2; minus strand). Cytogenetic location: 9q34.11.
Variant type: single nucleotide variant.
Coding change: c.429G>T on transcript NM_022833.4 (MANE Select); coding-DNA position 429, G replaced by T.
Protein change: p.Thr143=; no amino-acid change (threonine 143 retained).
Molecular consequence: synonymous variant.
Genome position (GRCh38, 1-based): chr9:127,523,839, C>A on the plus strand (G>T on the coding strand, the complement: NIBAN2 is on the minus strand). VCF-style: chr9-127523839-C-A. GRCh37 (hg19) VCF-style: chr9-130286118-C-A.
Other names: c.390G>T, p.Thr130= (NM_001035534.3).
Identifiers: ClinVar variation 2659505 (VCV002659505.24), dbSNP rs141182179, ClinGen allele CA5247945.
Genomic context (GRCh38, chr9:127,523,839, plus strand): 5'-CCAGAGGATGAGCGGGAACTGTGTGGGGCACTTGAGGATGGGGGCACTGCCCGACTTTGC[C>A]GTGGTCCCTGTGGAGACAGTGCCTGATGAGCAGCTGCCCTCTGTGGTTGCCCTCCACCAG-3'
Protein context (NP_073744.2, residues 133-153): ELIGNSLPGT[Thr143=]AKSGSAPILK

ClinVar aggregate classification (germline): Likely benign (1 of 4 stars; one submission).

Allele frequency attached by ClinVar (database versions not stated): 1000 Genomes Project 0.00200; 1000 Genomes Project 30x 0.00234; ESP Exome Variant Server 0.00361.

Submission:

CeGaT Center for Human Genetics Tuebingen
Classification: Likely benign. Last evaluated: 2023-04-01. Review status: criteria provided, single submitter. Criteria: CeGaT Center For Human Genetics Tuebingen Variant Classification Criteria Version 2. Collection method: clinical testing. Allele origin: germline. Affected: yes. Observed: 2 variant alleles.
Comment: NIBAN2: BP4, BP7, BS2